The following is an entry in ClinVar:

ClinVar aggregate classification (germline): Likely benign (0 of 4 stars; one submission).

Conditions:
LAMA3-related disorder. Also called: LAMA3-related condition; LAMA3-related disorders.

Allele frequency attached by ClinVar (database versions not stated): gnomAD exomes below 0.00001.
gnomAD v4.1: 1 of 1,596,548 alleles (0.000063%); highest among the groups gnomAD compares: Non-Finnish European, 0.000086%; no homozygotes.

Submission:

PreventionGenetics, part of Exact Sciences
Classification: Likely benign for LAMA3-related condition. Last evaluated: 2019-06-10. Review status: no assertion criteria provided. Collection method: clinical testing. Allele origin: germline.
Comment: This variant is classified as likely benign based on ACMG/AMP sequence variant interpretation guidelines (Richards et al. 2015 PMID: 25741868, with internal and published modifications).

NM_198129.4(LAMA3):c.1742-7T>A

Gene: LAMA3 (laminin subunit alpha 3; plus strand). Cytogenetic location: 18q11.2.
Variant type: single nucleotide variant.
Coding change: c.1742-7T>A on transcript NM_198129.4 (MANE Select); 7 bases into the intron before coding-DNA position 1742, T replaced by A.
Molecular consequence: intron variant.
Genome position (GRCh38, 1-based): chr18:23,813,050, T>A. VCF-style: chr18-23813050-T-A. GRCh37 (hg19) VCF-style: chr18-21393014-T-A.
Other names: c.1742-7T>A (NM_001127717.4).
Identifiers: ClinVar variation 3044208 (VCV003044208.2), dbSNP rs2063104827, ClinGen allele CA2290285835.